The following is an entry in ClinVar:

NM_005751.5(AKAP9):c.11275C>T (p.Pro3759Ser)

Gene: AKAP9 (A-kinase anchoring protein 9; plus strand). Cytogenetic location: 7q21.2.
Variant type: single nucleotide variant.
Coding change: c.11275C>T on transcript NM_005751.5 (MANE Select); coding-DNA position 11275, C replaced by T.
Protein change: p.Pro3759Ser; replaces proline 3759 with serine.
Molecular consequence: missense variant.
Genome position (GRCh38, 1-based): chr7:92,102,771, C>T. VCF-style: chr7-92102771-C-T. GRCh37 (hg19) VCF-style: chr7-91732085-C-T.
Other names: c.5920C>T, p.Pro1974Ser (NM_001379277.1); c.11251C>T, p.Pro3751Ser (NM_147185.3); short protein forms P3759S, P3751S, P1974S.
Identifiers: ClinVar variation 1799301 (VCV001799301.2), dbSNP rs2535318526, ClinGen allele CA368162663.

ClinVar aggregate classification (germline): Uncertain significance (1 of 4 stars; one submission).

Conditions:
Cardiovascular phenotype. Identifiers: MedGen CN230736.

gnomAD v4.1: 1 of 1,614,186 alleles (0.000062%); no homozygotes.

Submission:

Ambry Genetics
Classification: Uncertain significance for Cardiovascular phenotype. Last evaluated: 2022-08-08. Review status: criteria provided, single submitter. Criteria: Ambry Variant Classification Scheme 2023. Collection method: clinical testing. Allele origin: germline.
Comment: The p.P3759S variant (also known as c.11275C>T), located in coding exon 46 of the AKAP9 gene, results from a C to T substitution at nucleotide position 11275. The proline at codon 3759 is replaced by serine, an amino acid with similar properties. This amino acid position is conserved. In addition, this alteration is predicted to be tolerated by in silico analysis. Since supporting evidence is limited at this time, the clinical significance of this alteration remains unclear.